The following is an entry in ClinVar:

ClinVar aggregate classification (germline): Conflicting classifications of pathogenicity. Review status: criteria provided, conflicting classifications (1 of 4 stars). 7 submissions from 7 submitters: Pathogenic (2); Likely pathogenic (2); Uncertain significance (1). 2 of the submissions do not count toward it. Last evaluated 2025-06-18.

Conditions:
GAN-related disorder. Also called: GAN-related condition.
Inborn genetic diseases. Identifiers: MedGen C0950123, MeSH D030342.
Giant axonal neuropathy 1 (GAN1). Also called: GIANT AXONAL NEUROPATHY 1, AUTOSOMAL RECESSIVE; GAN-Related Neurodegeneration. Identifiers: Orphanet 643, MedGen C1850386, MONDO:0009749, OMIM 256850.

Allele frequency attached by ClinVar (database versions not stated): ExAC 0.00001; gnomAD exomes 0.00001; TOPMed 0.00001; gnomAD 0.00002 and 0.00003.
gnomAD v4.1: 12 of 1,613,198 alleles (0.00074%); highest among the groups gnomAD compares: East Asian, 0.0022%; no homozygotes.

Submissions (7):

Labcorp Genetics (formerly Invitae), Labcorp
Classification: Pathogenic for Giant axonal neuropathy 1. Last evaluated: 2025-06-18. Review status: criteria provided, single submitter. Criteria: Invitae Variant Classification Sherloc (09022015). Collection method: clinical testing. Allele origin: germline.
Comment: This sequence change replaces arginine, which is basic and polar, with tryptophan, which is neutral and slightly polar, at codon 269 of the GAN protein (p.Arg269Trp). This variant is present in population databases (rs776397915, gnomAD 0.005%). This missense change has been observed in individuals with GAN-related conditions (PMID: 23248352, 23890932; internal data). It has also been observed to segregate with disease in related individuals. ClinVar contains an entry for this variant (Variation ID: 583275). Invitae Evidence Modeling of protein sequence and biophysical properties (such as structural, functional, and spatial information, amino acid conservation, physicochemical variation, residue mobility, and thermodynamic stability) indicates that this missense variant is expected to disrupt GAN protein function with a positive predictive value of 80%. This variant disrupts the p.Arg269 amino acid residue in GAN. Other variant(s) that disrupt this residue have been observed in individuals with GAN-related conditions (PMID: 11062483, 12655563), which suggests that this may be a clinically significant amino acid residue. For these reasons, this variant has been classified as Pathogenic.

GeneDx
Classification: Uncertain significance. Last evaluated: 2025-02-13. Review status: criteria provided, single submitter. Criteria: GeneDx Variant Classification Process June 2021. Collection method: clinical testing. Allele origin: germline. Affected: yes.
Comment: Missense variants in this gene are a common cause of disease and they are underrepresented in the general population; In silico analysis supports that this missense variant has a deleterious effect on protein structure/function; Not observed at significant frequency in large population cohorts (gnomAD); This variant is associated with the following publications: (PMID: 27023907, 32999401, 34114613, 23248352, 23890932, Alizadeh_2024)

3billion
Classification: Pathogenic for Giant axonal neuropathy 1. Last evaluated: 2024-09-03. Review status: criteria provided, single submitter. Criteria: ACMG Guidelines, 2015. Collection method: clinical testing. Allele origin: germline. Affected: yes.
Comment: The variant is observed at an extremely low frequency in the gnomAD v4.0.0 dataset (total allele frequency: <0.001%). Predicted Consequence/Location: Missense variant In silico tool predictions suggest damaging effect of the variant on gene or gene product [REVEL: 0.73 (>=0.6, sensitivity 0.68 and specificity 0.92)]. The same nucleotide change resulting in the same amino acid change has been previously reported as pathogenic/likely pathogenic with strong evidence (ClinVar ID: VCV000583275 /PMID: 23248352).The variant has been reported to be in trans with a pathogenic variant as either compound heterozygous or homozygous in at least 2 similarly affected unrelated individuals (PMID: 23248352, 23890932, 32999401).The variant has been reported to co-segregate with the disease in at least one similarly affected relative/individual in the same family or similarly affected unrelated family (PMID: 23890932).A different missense change at the same codon (p.Arg269Gln) has been reported to be associated with GAN related disorder (ClinVar ID: VCV000521988 /PMID: 12655563). Therefore, this variant is classified as Pathogenic according to the recommendation of ACMG/AMP guideline.

Blueprint Genetics
Classification: Likely pathogenic for GAN-related disorders. Last evaluated: 2024-04-08. Review status: criteria provided, single submitter. Criteria: ACMG Guidelines, 2015. Collection method: clinical testing. Allele origin: germline. Affected: yes. Observed: 1 variant allele.

Ambry Genetics
Classification: Likely pathogenic for Inborn genetic diseases. Last evaluated: 2021-01-20. Review status: criteria provided, single submitter. Criteria: Ambry Variant Classification Scheme 2023. Collection method: clinical testing. Allele origin: germline.
Comment: The p.R269W variant (also known as c.805C>T), located in coding exon 4 of the GAN gene, results from a C to T substitution at nucleotide position 805. The arginine at codon 269 is replaced by tryptophan, an amino acid with dissimilar properties. This variant was reported in trans with a second GAN alteration (c.732delT; p.I244Mfs*33) in two siblings and one unrelated individual with features of giant axonal neuropathy (Roth LA et al. Neuromuscul. Disord., 2014 Jan;24:48-55; Chakravorty S et al. Sci Rep, 2020 09;10:16184). This amino acid position is highly conserved in available vertebrate species. In addition, this alteration is predicted to be deleterious by in silico analysis. Based on the majority of available evidence to date, this variant is likely to be pathogenic.

Inherited Neuropathy Consortium Ii, University Of Miami
Classification: Uncertain significance for Giant axonal neuropathy 1. Last evaluated: 2016-01-06. Review status: no assertion criteria provided. Collection method: literature only. Allele origin: germline. Affected: yes. Not counted in ClinVar's aggregate classification.

Inherited Neuropathy Consortium
Classification: Uncertain significance for Giant axonal neuropathy. Review status: no assertion criteria provided. Collection method: literature only. Allele origin: germline. Affected: yes. Not counted in ClinVar's aggregate classification.

Literature cited by the submitters: PubMed 23248352 (cited by 4 submitters); PubMed 23890932 (cited by 4 submitters); PubMed 11062483 (cited by Labcorp Genetics (formerly Invitae), Labcorp); PubMed 12655563 (cited by 3 submitters); PubMed 32999401 (cited by 3billion and Ambry Genetics).

NM_022041.4(GAN):c.805C>T (p.Arg269Trp)

Gene: GAN (gigaxonin; plus strand). Cytogenetic location: 16q23.2.
Variant type: single nucleotide variant.
Coding change: c.805C>T on transcript NM_022041.4 (MANE Select); coding-DNA position 805, C replaced by T.
Protein change: p.Arg269Trp; replaces arginine 269 with tryptophan.
Molecular consequence: missense variant.
Genome position (GRCh38, 1-based): chr16:81,356,956, C>T. VCF-style: chr16-81356956-C-T. GRCh37 (hg19) VCF-style: chr16-81390561-C-T.
Other names: c.166C>T, p.Arg56Trp (NM_001377486.1); short protein forms R269W, R56W.
Identifiers: ClinVar variation 583275 (VCV000583275.17), dbSNP rs776397915, ClinGen allele CA8191488.